The following is an entry in ClinVar:

NM_005591.4(MRE11):c.785A>C (p.Tyr262Ser)

Gene: MRE11 (MRE11 double strand break repair nuclease; minus strand). Cytogenetic location: 11q21.
Variant type: single nucleotide variant.
Coding change: c.785A>C on transcript NM_005591.4 (MANE Select); coding-DNA position 785, A replaced by C.
Protein change: p.Tyr262Ser; replaces tyrosine 262 with serine.
Molecular consequence: missense variant.
Genome position (GRCh38, 1-based): chr11:94,471,634, T>G on the plus strand (A>C on the coding strand, the complement: MRE11 is on the minus strand). VCF-style: chr11-94471634-T-G. GRCh37 (hg19) VCF-style: chr11-94204800-T-G.
Other names: c.785A>C, p.Tyr262Ser (NM_001330347.2, NM_005590.4); short protein forms Y262S.
Identifiers: ClinVar variation 479726 (VCV000479726.6), dbSNP rs1555013096, ClinGen allele CA382375634.
Genomic context (GRCh38, chr11:94,471,634, plus strand): 5'-TTCTTTACAGCTTCTCCTGGGGAAAGAGAAGTAACCACTGAGCTTCCAGGTTGTGAGATA[T>G]AAAACAGCTGTTGTTCATTTTTGGTTGGAGCTATTTTACACTCATGTTCATGGCCCCAGA-3'
Protein context (NP_005582.1, residues 252-272): APTKNEQQLF[Tyr262Ser]ISQPGSSVVT

ClinVar aggregate classification (germline): Uncertain significance (1 of 4 stars; one submission).

Conditions:
Hereditary cancer-predisposing syndrome. Also called: Hereditary Cancer Syndrome; Neoplastic Syndromes, Hereditary; Tumor predisposition; Hereditary neoplastic syndrome. Identifiers: Orphanet 140162, MedGen C0027672, MeSH D009386, MONDO:0015356.

Allele frequency attached by ClinVar (database versions not stated): TOPMed below 0.00001.

Submission:

Ambry Genetics
Classification: Uncertain significance for Hereditary cancer-predisposing syndrome. Last evaluated: 2025-06-01. Review status: criteria provided, single submitter. Criteria: Ambry Variant Classification Scheme 2023. Collection method: clinical testing. Allele origin: germline.
Comment: The p.Y262S variant (also known as c.785A>C), located in coding exon 7 of the MRE11A gene, results from an A to C substitution at nucleotide position 785. The tyrosine at codon 262 is replaced by serine, an amino acid with dissimilar properties. This amino acid position is highly conserved in available vertebrate species. In addition, this alteration is predicted to be deleterious by in silico analysis. Since supporting evidence is limited at this time, the clinical significance of this alteration remains unclear.